The following is an entry in ClinVar:

NM_001367624.2(ZNF469):c.1882C>A (p.Pro628Thr)

Gene: ZNF469 (zinc finger protein 469; plus strand). Cytogenetic location: 16q24.2.
Variant type: single nucleotide variant.
Coding change: c.1882C>A on transcript NM_001367624.2 (MANE Select); coding-DNA position 1882, C replaced by A.
Protein change: p.Pro628Thr; replaces proline 628 with threonine.
Molecular consequence: missense variant.
Genome position (GRCh38, 1-based): chr16:88,429,352, C>A. VCF-style: chr16-88429352-C-A. GRCh37 (hg19) VCF-style: chr16-88495760-C-A.
Other names: NM_001127464.2:c.1882C>A; p.Pro628Thr; short protein forms P628T.
Identifiers: ClinVar variation 320874 (VCV000320874.15), dbSNP rs886052393, ClinGen allele CA10649144.
Genomic context (GRCh38, chr16:88,429,352, plus strand): 5'-CTGTCGCCGATGTCCAGCAGCCCAGCCAACCCCAGCTCAGAGGAAAGCCAGCTCCCCGGC[C>A]CCCTCGGGCCCTCGGCCTTCTTCCACCCACCCACTCACCCCCAGGAGACGGGCAGCCCCT-3'
Protein context (NP_001354553.1, residues 618-638): PSSEESQLPG[Pro628Thr]LGPSAFFHPP

ClinVar aggregate classification (germline): Uncertain significance. Review status: criteria provided, multiple submitters, no conflicts (2 of 4 stars). 6 submissions from 6 submitters: Uncertain significance (6). Last evaluated 2026-02-17.

Conditions:
ZNF469-related disorder. Also called: ZNF469-related condition.
Cardiovascular phenotype. Identifiers: MedGen CN230736.
Brittle cornea syndrome 1 (BCS1). Also called: Corneal fragility keratoglobus, blue sclerae AND joint hypermobility; DYSGENESIS MESODERMALIS CORNEAE ET SCLERAE; CORNEAL FRAGILITY, KERATOGLOBUS, BLUE SCLERAE, JOINT HYPEREXTENSIBILITY; EDS6B; FRAGILITAS OCULI WITH JOINT HYPEREXTENSIBILITY. Identifiers: Orphanet 90354, MedGen C0268344, MONDO:0024543, OMIM 229200.

Allele frequency attached by ClinVar (database versions not stated): TOPMed 0.00002; gnomAD exomes 0.00003.
gnomAD v4.1: 25 of 1,549,700 alleles (0.0016%); highest among the groups gnomAD compares: Non-Finnish European, 0.0022%; no homozygotes.

Submissions (6):

Women's Health and Genetics/Laboratory Corporation of America, LabCorp
Classification: Uncertain significance. Last evaluated: 2026-02-17. Review status: criteria provided, single submitter. Criteria: LabCorp Variant Classification Summary - May 2015. Collection method: clinical testing. Allele origin: germline.
Comment: Variant summary: ZNF469 c.1882C>A (p.Pro628Thr) results in a non-conservative amino acid change in the encoded protein sequence. Algorithms developed to predict the effect of missense changes on protein structure and function are either unavailable or do not agree on the potential impact of this missense change. The variant allele was found at a frequency of 2.7e-05 in 148498 control chromosomes. The available data on variant occurrences in the general population are insufficient to allow any conclusion about variant significance. To our knowledge, no occurrence of c.1882C>A in individuals affected with ZNF469-related conditions and no experimental evidence demonstrating its impact on protein function have been reported. ClinVar contains an entry for this variant (Variation ID: 320874). Based on the evidence outlined above, the variant was classified as uncertain significance.

Labcorp Genetics (formerly Invitae), Labcorp
Classification: Uncertain significance. Last evaluated: 2025-04-19. Review status: criteria provided, single submitter. Criteria: Invitae Variant Classification Sherloc (09022015). Collection method: clinical testing. Allele origin: germline.
Comment: This sequence change replaces proline, which is neutral and non-polar, with threonine, which is neutral and polar, at codon 628 of the ZNF469 protein (p.Pro628Thr). This variant is present in population databases (no rsID available, gnomAD 0.006%). This variant has not been reported in the literature in individuals affected with ZNF469-related conditions. ClinVar contains an entry for this variant (Variation ID: 320874). An algorithm developed to predict the effect of missense changes on protein structure and function (PolyPhen-2) suggests that this variant is likely to be tolerated. In summary, the available evidence is currently insufficient to determine the role of this variant in disease. Therefore, it has been classified as a Variant of Uncertain Significance.

Mayo Clinic Laboratories, Mayo Clinic
Classification: Uncertain significance. Last evaluated: 2025-03-03. Review status: criteria provided, single submitter. Criteria: ACMG Guidelines, 2015. Collection method: clinical testing. Allele origin: germline. Observed: 1 variant allele.
Comment: BP4

PreventionGenetics, part of Exact Sciences
Classification: Uncertain significance for ZNF469-related condition. Last evaluated: 2023-02-27. Review status: criteria provided, single submitter. Criteria: ACMG Guidelines, 2015. Collection method: clinical testing. Allele origin: germline.
Comment: The ZNF469 c.1882C>A variant is predicted to result in the amino acid substitution p.Pro628Thr. To our knowledge, this variant has not been reported in the literature. This variant is reported in 0.0054% of alleles in individuals of European (Non-Finnish) descent in gnomAD. At this time, the clinical significance of this variant is uncertain due to the absence of conclusive functional and genetic evidence.

Ambry Genetics
Classification: Uncertain significance for Cardiovascular phenotype. Last evaluated: 2023-01-03. Review status: criteria provided, single submitter. Criteria: Ambry Variant Classification Scheme 2023. Collection method: clinical testing. Allele origin: germline.
Comment: The p.P628T variant (also known as c.1882C>A), located in coding exon 1 of the ZNF469 gene, results from a C to A substitution at nucleotide position 1882. The proline at codon 628 is replaced by threonine, an amino acid with highly similar properties. This amino acid position is not well conserved in available vertebrate species, and threonine is the reference amino acid in other vertebrate species. In addition, this alteration is predicted to be tolerated by in silico analysis. Since supporting evidence is limited at this time, the clinical significance of this alteration remains unclear.

Fulgent Genetics
Classification: Uncertain significance for Brittle cornea syndrome 1. Last evaluated: 2022-03-07. Review status: criteria provided, single submitter. Criteria: ACMG Guidelines, 2015. Collection method: clinical testing. Allele origin: unknown.